The following is an entry in ClinVar:

NM_000059.4(BRCA2):c.7147del (p.Tyr2383fs)

Gene: BRCA2 (BRCA2 DNA repair associated; plus strand). Cytogenetic location: 13q13.1.
Variant type: Deletion.
Coding change: c.7147del on transcript NM_000059.4 (MANE Select); coding-DNA position 7147, one base deleted (T; older notation c.7147delT).
Protein change: p.Tyr2383fs; shifts the reading frame from tyrosine 2383.
Molecular consequence: frameshift variant.
Genome position (GRCh38, 1-based): chr13:32,355,000, T deleted; the last of 4 consecutive T bases (chr13:32,354,997-32,355,000); deleting any one gives the same sequence. VCF-style (leftmost placement, unchanged base first): chr13-32354996-AT-A. GRCh37 (hg19) VCF-style: chr13-32929133-AT-A.
Other names: c.7147del (NM_000059.3); short protein forms Y2383fs.
Identifiers: ClinVar variation 997941 (VCV000997941.8), dbSNP rs878853599, ClinGen allele CA2082809267.

ClinVar aggregate classification (germline): Pathogenic/Likely pathogenic. Review status: criteria provided, multiple submitters, no conflicts (2 of 4 stars). 3 submissions from 3 submitters: Pathogenic (2); Likely pathogenic (1). Last evaluated 2023-08-30.

Conditions:
Hereditary breast ovarian cancer syndrome. Also called: Hereditary breast and ovarian cancer; Hereditary breast and ovarian cancer syndrome; Breast and ovarian cancer; BRCA1- and BRCA2-Associated Hereditary Breast and Ovarian Cancer; Hereditary breast and/or ovarian cancer syndrome; Hereditary breast and ovarian cancer syndrome (HBOC). Identifiers: Orphanet 145, MedGen C0677776, MeSH D061325, MONDO:0003582. Disease mechanism: loss of function.
Hereditary cancer-predisposing syndrome. Also called: Neoplastic Syndromes, Hereditary; Hereditary Cancer Syndrome; Tumor predisposition; Hereditary neoplastic syndrome. Identifiers: Orphanet 140162, MedGen C0027672, MeSH D009386, MONDO:0015356.

Submissions (3):

Color Diagnostics, LLC DBA Color Health
Classification: Pathogenic for Hereditary cancer-predisposing syndrome. Last evaluated: 2023-08-30. Review status: criteria provided, single submitter. Criteria: ACMG Guidelines, 2015. Collection method: clinical testing. Allele origin: germline.
Comment: This variant deletes 1 nucleotide in exon 14 of the BRCA2 gene, creating a frameshift and premature translation stop signal. This variant is expected to result in an absent or non-functional protein product. To our knowledge, this variant has not been reported in individuals affected with BRCA2-related disorders in the literature. This variant has not been identified in the general population by the Genome Aggregation Database (gnomAD). Loss of BRCA2 function is a known mechanism of disease. Based on the available evidence, this variant is classified as Pathogenic.

Ambry Genetics
Classification: Pathogenic for Hereditary cancer-predisposing syndrome. Last evaluated: 2023-04-25. Review status: criteria provided, single submitter. Criteria: Ambry Variant Classification Scheme 2023. Collection method: clinical testing. Allele origin: germline.
Comment: The c.7147delT pathogenic mutation, located in coding exon 13 of the BRCA2 gene, results from a deletion of one nucleotide at nucleotide position 7147, causing a translational frameshift with a predicted alternate stop codon (p.Y2383Ifs*11). This variant is considered to be rare based on population cohorts in the Genome Aggregation Database (gnomAD). This alteration is expected to result in loss of function by premature protein truncation or nonsense-mediated mRNA decay. As such, this alteration is interpreted as a disease-causing mutation.

Women's Health and Genetics/Laboratory Corporation of America, LabCorp
Classification: Likely pathogenic for Hereditary breast ovarian cancer syndrome. Last evaluated: 2021-02-12. Review status: criteria provided, single submitter. Criteria: LabCorp Variant Classification Summary - May 2015. Collection method: clinical testing. Allele origin: germline.
Comment: Variant summary: BRCA2 c.7147delT (p.Tyr2383IlefsX11) results in a premature termination codon, predicted to cause a truncation of the encoded protein or absence of the protein due to nonsense mediated decay, which are commonly known mechanisms for disease. Truncations downstream of this position have been classified as pathogenic by our laboratory. The variant was absent in 251230 control chromosomes (gnomAD). To our knowledge, no occurrence of c.7147delT in individuals affected with Hereditary Breast And Ovarian Cancer Syndrome and no experimental evidence demonstrating its impact on protein function have been reported. No clinical diagnostic laboratories have submitted clinical-significance assessments for this variant to ClinVar after 2014. Based on the evidence outlined above, the variant was classified as likely pathogenic.